The following is an entry in ClinVar:

ClinVar aggregate classification (germline): Uncertain significance (1 of 4 stars; one submission).

Conditions:
Neuroblastoma, susceptibility to, 3. Also called: ALK-Related Neuroblastic Tumor Susceptibility. Identifiers: Orphanet 635, MedGen C2751681, MONDO:0013083, OMIM 613014.

Allele frequency attached by ClinVar (database versions not stated): gnomAD exomes below 0.00001.

Submission:

Labcorp Genetics (formerly Invitae), Labcorp
Classification: Uncertain significance for Neuroblastoma, susceptibility to, 3. Last evaluated: 2020-04-06. Review status: criteria provided, single submitter. Criteria: Invitae Variant Classification Sherloc (09022015). Collection method: clinical testing. Allele origin: germline.
Comment: This variant is not present in population databases (ExAC no frequency). In summary, the available evidence is currently insufficient to determine the role of this variant in disease. Therefore, it has been classified as a Variant of Uncertain Significance. Experimental studies and prediction algorithms are not available or were not evaluated, and the functional significance of this variant is currently unknown. This variant has not been reported in the literature in individuals with ALK-related conditions. This variant, c.4828_4854dup, results in the insertion of 9 amino acid(s) to the ALK protein (p.Lys1610_Pro1618dup), but otherwise preserves the integrity of the reading frame.

NM_004304.5(ALK):c.4828_4854dup (p.Lys1610_Pro1618dup)

Gene: ALK (ALK receptor tyrosine kinase; minus strand). Cytogenetic location: 2p23.2.
Variant type: Duplication.
Coding change: c.4828_4854dup on transcript NM_004304.5 (MANE Select); coding-DNA positions 4828 to 4854, 27 bases duplicated (AAAAGCAAGAATAGCATGAACCAGCCT).
Protein change: p.Lys1610_Pro1618dup.
Molecular consequence: inframe insertion.
Genome position (GRCh38, 1-based): chr2:29,193,233-29,193,259, AGGCTGGTTCATGCTATTCTTGCTTTT duplicated on the plus strand (AAAAGCAAGAATAGCATGAACCAGCCT on the coding strand, the reverse complement: ALK is on the minus strand). VCF-style (leftmost placement, unchanged base first): chr2-29193232-C-CAGGCTGGTTCATGCTATTCTTGCTTTT. GRCh37 (hg19) VCF-style: chr2-29416098-C-CAGGCTGGTTCATGCTATTCTTGCTTTT.
Other names: c.1624_1650dup, p.Lys542_Pro550dup (NM_001353765.2).
Identifiers: ClinVar variation 1038369 (VCV001038369.8), dbSNP rs1668918005, ClinGen allele CA1241079482.